The following is an entry in ClinVar:

ClinVar aggregate classification (germline): Uncertain significance. Review status: criteria provided, multiple submitters, no conflicts (2 of 4 stars). 2 submissions from 2 submitters: Uncertain significance (2). Last evaluated 2025-04-20.

Conditions:
Inborn genetic diseases. Identifiers: MedGen C0950123, MeSH D030342.

Allele frequency attached by ClinVar (database versions not stated): gnomAD exomes below 0.00001.

Submissions (2):

Labcorp Genetics (formerly Invitae), Labcorp
Classification: Uncertain significance. Last evaluated: 2025-04-20. Review status: criteria provided, single submitter. Criteria: Invitae Variant Classification Sherloc (09022015). Collection method: clinical testing. Allele origin: germline.
Comment: This sequence change replaces valine, which is neutral and non-polar, with methionine, which is neutral and non-polar, at codon 1396 of the NLRP1 protein (p.Val1396Met). The frequency data for this variant in the population databases is considered unreliable, as metrics indicate poor data quality at this position in the gnomAD database. This variant has not been reported in the literature in individuals affected with NLRP1-related conditions. ClinVar contains an entry for this variant (Variation ID: 1411970). An algorithm developed to predict the effect of missense changes on protein structure and function (PolyPhen-2) suggests that this variant is likely to be disruptive. In summary, the available evidence is currently insufficient to determine the role of this variant in disease. Therefore, it has been classified as a Variant of Uncertain Significance.

Ambry Genetics
Classification: Uncertain significance for Inborn genetic diseases. Last evaluated: 2022-04-25. Review status: criteria provided, single submitter. Criteria: Ambry Variant Classification Scheme 2023. Collection method: clinical testing. Allele origin: germline.

NM_033004.4(NLRP1):c.4186G>A (p.Val1396Met)

Gene: NLRP1 (NLR family pyrin domain containing 1; minus strand). Cytogenetic location: 17p13.2.
Variant type: single nucleotide variant.
Coding change: c.4186G>A on transcript NM_033004.4 (MANE Select); coding-DNA position 4186, G replaced by A.
Protein change: p.Val1396Met; replaces valine 1396 with methionine.
Molecular consequence: missense variant. On other transcripts: intron variant (1).
Genome position (GRCh38, 1-based): chr17:5,514,990, C>T on the plus strand (G>A on the coding strand, the complement: NLRP1 is on the minus strand). VCF-style: chr17-5514990-C-T. GRCh37 (hg19) VCF-style: chr17-5418310-C-T.
Other names: c.4186G>A (NM_033004.3); c.4054G>A, p.Val1352Met (NM_014922.5); c.4096G>A, p.Val1366Met (NM_033006.4); c.3964G>A, p.Val1322Met (NM_033007.4); c.4069+2756G>A (NM_001033053.3); short protein forms V1366M, V1396M, V1322M, V1352M.
Identifiers: ClinVar variation 1411970 (VCV001411970.9), dbSNP rs1200986452, ClinGen allele CA397387223.